The following is an entry in ClinVar:

NM_001099403.2(PRDM8):c.956A>C (p.Glu319Ala)

Genes: PRDM8 (PR/SET domain 8; plus strand), LOC129992744 (ATAC-STARR-seq lymphoblastoid silent region 15521; plus strand). Cytogenetic location: 4q21.21.
Variant type: single nucleotide variant.
Coding change: c.956A>C on transcript NM_001099403.2 (MANE Select); coding-DNA position 956, A replaced by C.
Protein change: p.Glu319Ala; replaces glutamic acid 319 with alanine.
Molecular consequence: missense variant.
Genome position (GRCh38, 1-based): chr4:80,202,418, A>C. VCF-style: chr4-80202418-A-C. GRCh37 (hg19) VCF-style: chr4-81123572-A-C.
Other names: c.956A>C, p.Glu319Ala (NM_020226.4); short protein forms E319A.
Identifiers: ClinVar variation 1434308 (VCV001434308.8), dbSNP rs1234825510, ClinGen allele CA357397212.

ClinVar aggregate classification (germline): Uncertain significance (1 of 4 stars; one submission).

Conditions:
Early-onset Lafora body disease. Also called: Epilepsy, progressive myoclonic, 10. Identifiers: Orphanet 324290, MedGen C4225258, MONDO:0014717, OMIM 616640.

Allele frequency attached by ClinVar (database versions not stated): gnomAD exomes below 0.00001; TOPMed below 0.00001.
gnomAD v4.1: 2 of 1,553,920 alleles (0.00013%); highest among the groups gnomAD compares: Middle Eastern, 0.017%; no homozygotes.

Submission:

Labcorp Genetics (formerly Invitae), Labcorp
Classification: Uncertain significance for Early-onset Lafora body disease. Last evaluated: 2021-04-16. Review status: criteria provided, single submitter. Criteria: Invitae Variant Classification Sherloc (09022015). Collection method: clinical testing. Allele origin: germline.
Comment: This variant has not been reported in the literature in individuals with PRDM8-related conditions. In summary, the available evidence is currently insufficient to determine the role of this variant in disease. Therefore, it has been classified as a Variant of Uncertain Significance. Algorithms developed to predict the effect of missense changes on protein structure and function are either unavailable or do not agree on the potential impact of this missense change (SIFT: "Tolerated"; PolyPhen-2: "Possibly Damaging"; Align-GVGD: "Class C0"). The frequency data for this variant in the population databases is considered unreliable, as metrics indicate insufficient coverage at this position in the ExAC database. This sequence change replaces glutamic acid with alanine at codon 319 of the PRDM8 protein (p.Glu319Ala). The glutamic acid residue is moderately conserved and there is a moderate physicochemical difference between glutamic acid and alanine.